The following is an entry in ClinVar:

ClinVar aggregate classification (germline): Uncertain significance. Review status: criteria provided, multiple submitters, no conflicts (2 of 4 stars). 3 submissions from 3 submitters: Uncertain significance (3). Last evaluated 2023-02-06.

Conditions:
COL18A1-related disorder. Also called: COL18A1-related condition; COL18A1-related disorders.
Inborn genetic diseases. Identifiers: MedGen C0950123, MeSH D030342.

Allele frequency attached by ClinVar (database versions not stated): TOPMed below 0.00001; gnomAD 0.00001; gnomAD exomes 0.00001.

Submissions (3):

PreventionGenetics, part of Exact Sciences
Classification: Uncertain significance for COL18A1-related condition. Last evaluated: 2023-02-06. Review status: criteria provided, single submitter. Criteria: ACMG Guidelines, 2015. Collection method: clinical testing. Allele origin: germline.
Comment: The COL18A1 c.1609C>G variant is predicted to result in the amino acid substitution p.Pro537Ala. To our knowledge, this variant has not been reported in the literature. This variant is reported in 0.0078% of alleles in individuals of Latino descent in gnomAD. At this time, the clinical significance of this variant is uncertain due to the absence of conclusive functional and genetic evidence.

Labcorp Genetics (formerly Invitae), Labcorp
Classification: Uncertain significance. Last evaluated: 2022-09-07. Review status: criteria provided, single submitter. Criteria: Invitae Variant Classification Sherloc (09022015). Collection method: clinical testing. Allele origin: germline.
Comment: This sequence change replaces proline, which is neutral and non-polar, with alanine, which is neutral and non-polar, at codon 357 of the COL18A1 protein (p.Pro357Ala). This variant is present in population databases (no rsID available, gnomAD 0.008%). This variant has not been reported in the literature in individuals affected with COL18A1-related conditions. ClinVar contains an entry for this variant (Variation ID: 1399446). Experimental studies and prediction algorithms are not available or were not evaluated, and the functional significance of this variant is currently unknown. In summary, the available evidence is currently insufficient to determine the role of this variant in disease. Therefore, it has been classified as a Variant of Uncertain Significance.

Ambry Genetics
Classification: Uncertain significance for Inborn genetic diseases. Last evaluated: 2022-06-21. Review status: criteria provided, single submitter. Criteria: Ambry Variant Classification Scheme 2023. Collection method: clinical testing. Allele origin: germline.

NM_001379500.1(COL18A1):c.1069C>G (p.Pro357Ala)

Gene: COL18A1 (collagen type XVIII alpha 1 chain; plus strand). Cytogenetic location: 21q22.3.
Variant type: single nucleotide variant.
Coding change: c.1069C>G on transcript NM_001379500.1 (MANE Select); coding-DNA position 1069, C replaced by G.
Protein change: p.Pro357Ala; replaces proline 357 with alanine.
Molecular consequence: missense variant.
Genome position (GRCh38, 1-based): chr21:45,477,813, C>G. VCF-style: chr21-45477813-C-G. GRCh37 (hg19) VCF-style: chr21-46897727-C-G.
Other names: NM_130445.2:c.1069C>G; c.1609C>G, p.Pro537Ala (NM_030582.4); c.2314C>G, p.Pro772Ala (NM_130444.3); c.1609C>G (NM_030582.3); short protein forms P537A, P357A, P772A.
Identifiers: ClinVar variation 1399446 (VCV001399446.5), dbSNP rs1276725071, ClinGen allele CA410515336.